The following is an entry in ClinVar:

NM_000093.5(COL5A1):c.2593-45G>A

Gene: COL5A1 (collagen type V alpha 1 chain; plus strand). Cytogenetic location: 9q34.3.
Variant type: single nucleotide variant.
Coding change: c.2593-45G>A on transcript NM_000093.5 (MANE Select); 45 bases into the intron before coding-DNA position 2593, G replaced by A.
Molecular consequence: intron variant.
Genome position (GRCh38, 1-based): chr9:134,785,950, G>A. VCF-style: chr9-134785950-G-A. GRCh37 (hg19) VCF-style: chr9-137677796-G-A.
Other names: c.2593-45G>A (NM_001278074.1).
Identifiers: ClinVar variation 255066 (VCV000255066.4), dbSNP rs45497895, ClinGen allele CA5319467.

ClinVar aggregate classification (germline): Benign. Review status: criteria provided, multiple submitters, no conflicts (2 of 4 stars). 5 submissions from 4 submitters: Benign (5). Last evaluated 2022-03-15.

Conditions:
Fibromuscular dysplasia, multifocal. Identifiers: MedGen C5543412, MONDO:0859151, OMIM 619329.
Ehlers-Danlos syndrome, classic type, 1 (EDSCL1). Also called: Ehlers-Danlos Syndrome, Classic Type, COL5A1-Related; EHLERS-DANLOS SYNDROME, GRAVIS TYPE; EHLERS-DANLOS SYNDROME, SEVERE CLASSIC TYPE; Ehlers-Danlos syndrome, type 1; EDS I. Identifiers: MedGen C0268335, MONDO:0019567, OMIM 130000.

Allele frequency attached by ClinVar (database versions not stated): gnomAD exomes 0.05686; 1000 Genomes Project 30x 0.08323; ExAC 0.06291; gnomAD 0.08250 and 0.08009; 1000 Genomes Project 0.08387; TOPMed 0.08468; ESP Exome Variant Server 0.08463.
gnomAD v4.1: 86,504 of 1,555,858 alleles (5.6%); highest among the groups gnomAD compares: African/African-American, 16%; 3,126 homozygotes.

Submissions (5):

Genome-Nilou Lab
Classification: Benign for Ehlers-Danlos syndrome, classic type, 1. Last evaluated: 2022-03-15. Review status: criteria provided, single submitter. Criteria: ACMG Guidelines, 2015. Collection method: clinical testing. Allele origin: germline. Affected: no.

Genome-Nilou Lab
Classification: Benign for Fibromuscular dysplasia, multifocal. Last evaluated: 2022-03-15. Review status: criteria provided, single submitter. Criteria: ACMG Guidelines, 2015. Collection method: clinical testing. Allele origin: germline. Affected: no.

GeneDx
Classification: Benign. Last evaluated: 2018-06-14. Review status: criteria provided, single submitter. Criteria: GeneDx Variant Classification (06012015). Collection method: clinical testing. Allele origin: germline. Affected: yes.
Comment: This variant is considered likely benign or benign based on one or more of the following criteria: it is a conservative change, it occurs at a poorly conserved position in the protein, it is predicted to be benign by multiple in silico algorithms, and/or has population frequency not consistent with disease.

Breakthrough Genomics
Classification: Benign. Review status: criteria provided, single submitter. Criteria: ACMG Guidelines, 2015. Collection method: not provided. Allele origin: germline. Inheritance: Autosomal dominant inheritance. Affected: yes.

PreventionGenetics, part of Exact Sciences
Classification: Benign. Review status: criteria provided, single submitter. Criteria: ACMG Guidelines, 2015. Collection method: clinical testing. Allele origin: germline.